The following is an entry in ClinVar:

NC_000008.11:g.117819795del

Gene: EXT1 (exostosin glycosyltransferase 1; minus strand). Cytogenetic location: 8q24.11.
Variant type: Deletion.
Genome position: GRCh38 VCF-style: chr8-117819793-AC-A. GRCh37 (hg19) VCF-style: chr8-118832032-AC-A.
Identifiers: ClinVar variation 859584 (VCV000859584.9), dbSNP rs1811893467, ClinGen allele CA916081520.

ClinVar aggregate classification (germline): Pathogenic (1 of 4 stars; one submission).

Conditions:
Multiple congenital exostosis (EXT). Also called: Multiple exostoses; Hereditary multiple osteochondromas; Hereditary multiple exostoses; Hereditary multiple exostosis; Multiple osteochondromas; MULTIPLE CARTILAGINOUS EXOSTOSES. Identifiers: Orphanet 321, MedGen C0015306, MONDO:0005508, HP:0002762.

Submission:

Labcorp Genetics (formerly Invitae), Labcorp
Classification: Pathogenic for Multiple congenital exostosis. Last evaluated: 2021-01-21. Review status: criteria provided, single submitter. Criteria: Invitae Variant Classification Sherloc (09022015). Collection method: clinical testing. Allele origin: germline.
Comment: For these reasons, this variant has been classified as Pathogenic. Algorithms developed to predict the effect of sequence changes on RNA splicing suggest that this variant may disrupt the consensus splice site, but this prediction has not been confirmed by published transcriptional studies. This variant has not been reported in the literature in individuals with EXT1-related conditions. ClinVar contains an entry for this variant (Variation ID: 859584). This variant is not present in population databases (ExAC no frequency). This sequence change creates a premature translational stop signal (p.Gly473Valfs*2) in the EXT1 gene. It is expected to result in an absent or disrupted protein product. Loss-of-function variants in EXT1 are known to be pathogenic (PMID: 10679937, 11391482, 19810120).

Literature cited by the submitters: PubMed 10679937; PubMed 11391482; PubMed 19810120.